The following is an entry in ClinVar:

NM_014112.5(TRPS1):c.1799G>A (p.Cys600Tyr)

Gene: TRPS1 (transcriptional repressor GATA binding 1; minus strand). Cytogenetic location: 8q23.3.
Variant type: single nucleotide variant.
Coding change: c.1799G>A on transcript NM_014112.5 (MANE Select); coding-DNA position 1799, G replaced by A.
Protein change: p.Cys600Tyr; replaces cysteine 600 with tyrosine.
Molecular consequence: missense variant.
Genome position (GRCh38, 1-based): chr8:115,604,170, C>T on the plus strand (G>A on the coding strand, the complement: TRPS1 is on the minus strand). VCF-style: chr8-115604170-C-T. GRCh37 (hg19) VCF-style: chr8-116616397-C-T.
Other names: c.1772G>A, p.Cys591Tyr (NM_001282902.3); c.1778G>A, p.Cys593Tyr (NM_001282903.3); c.1760G>A, p.Cys587Tyr (NM_001330599.2); short protein forms C587Y, C593Y, C600Y, C591Y.
Identifiers: ClinVar variation 4795297 (VCV004795297.2).

ClinVar aggregate classification (germline): Uncertain significance (1 of 4 stars; one submission).

Submission:

GeneDx
Classification: Uncertain significance. Last evaluated: 2026-03-19. Review status: criteria provided, single submitter. Criteria: GeneDx Variant Classification Process June 2021. Collection method: clinical testing. Allele origin: germline.
Comment: Not observed at significant frequency in large population cohorts (gnomAD); In silico analysis supports that this missense variant has a deleterious effect on protein structure/function; Has not been previously published as pathogenic or benign to our knowledge